The following is an entry in ClinVar:

NM_001378743.1(CYLD):c.*779G>A

Genes: CYLD (CYLD lysine 63 deubiquitinase; plus strand), CYLD-AS2 (CYLD antisense RNA 2; minus strand). Cytogenetic location: 16q12.1.
Variant type: single nucleotide variant.
Coding change: c.*779G>A on transcript NM_001378743.1 (MANE Select); 779 bases downstream of the stop codon, G replaced by A.
Molecular consequence: 3 prime UTR variant. On other transcripts: non-coding transcript variant (1).
Genome position (GRCh38, 1-based): chr16:50,797,287, G>A. VCF-style: chr16-50797287-G-A. GRCh37 (hg19) VCF-style: chr16-50831198-G-A.
Other names: c.*779G>A (NM_001042355.2, NM_001042412.3, NM_001378744.1 and 12 more transcripts).
Identifiers: ClinVar variation 319515 (VCV000319515.29), dbSNP rs190787930, ClinGen allele CA10648504.

ClinVar aggregate classification (germline): Conflicting classifications of pathogenicity. Review status: criteria provided, conflicting classifications (1 of 4 stars). 4 submissions from 2 submitters: Uncertain significance (3); Likely benign (1). Last evaluated 2023-03-01.

Conditions:
Brooke-Spiegler syndrome. Also called: CYLD Cutaneous Syndrome. Identifiers: Orphanet 79493, MedGen C1857941, MONDO:0011512, OMIM 605041.
Familial multiple trichoepitheliomata. Also called: Familial multiple trichoepithelioma. Identifiers: Orphanet 79493, Orphanet 867, MedGen C1275122, MONDO:0011114.
Familial cylindromatosis. Also called: Turban tumor syndrome; ANCELL-SPIEGLER CYLINDROMAS. Identifiers: Orphanet 211, Orphanet 79493, MedGen C1851526, MONDO:0007565, OMIM 132700.

Allele frequency attached by ClinVar (database versions not stated): 1000 Genomes Project 30x 0.00016; 1000 Genomes Project 0.00020; TOPMed 0.00296; gnomAD exomes 0.00347.
gnomAD v4.1: 814 of 232,204 alleles (0.35%); highest among the groups gnomAD compares: Non-Finnish European, 0.53%; 2 homozygotes.

Submissions (4):

CeGaT Center for Human Genetics Tuebingen
Classification: Likely benign. Last evaluated: 2023-03-01. Review status: criteria provided, single submitter. Criteria: CeGaT Center For Human Genetics Tuebingen Variant Classification Criteria Version 2. Collection method: clinical testing. Allele origin: germline. Affected: yes. Observed: 4 variant alleles.
Comment: CYLD: BS1

Illumina Laboratory Services, Illumina
Classification: Uncertain significance for Brooke-Spiegler syndrome. Last evaluated: 2018-01-13. Review status: criteria provided, single submitter. Criteria: ICSL Variant Classification Criteria 13 December 2019. Collection method: clinical testing. Allele origin: germline.

Illumina Laboratory Services, Illumina
Classification: Uncertain significance for Trichoepithelioma, multiple familial, 1. Last evaluated: 2018-01-13. Review status: criteria provided, single submitter. Criteria: ICSL Variant Classification Criteria 13 December 2019. Collection method: clinical testing. Allele origin: germline.

Illumina Laboratory Services, Illumina
Classification: Uncertain significance for Familial cylindromatosis. Last evaluated: 2018-01-13. Review status: criteria provided, single submitter. Criteria: ICSL Variant Classification Criteria 13 December 2019. Collection method: clinical testing. Allele origin: germline.